The following is an entry in ClinVar:

NM_004991.4(MECOM):c.1649C>T (p.Ser550Phe)

Gene: MECOM (MDS1 and EVI1 complex locus; minus strand). Cytogenetic location: 3q26.2.
Variant type: single nucleotide variant.
Coding change: c.1649C>T on transcript NM_004991.4 (MANE Select); coding-DNA position 1649, C replaced by T.
Protein change: p.Ser550Phe; replaces serine 550 with phenylalanine.
Molecular consequence: missense variant. On other transcripts: intron variant (2).
Genome position (GRCh38, 1-based): chr3:169,116,223, G>A on the plus strand (C>T on the coding strand, the complement: MECOM is on the minus strand). VCF-style: chr3-169116223-G-A. GRCh37 (hg19) VCF-style: chr3-168834011-G-A.
Other names: c.1280C>T, p.Ser427Phe (NM_001105077.4); c.1085C>T, p.Ser362Phe (NM_001105078.4, NM_001164000.2, NM_001205194.2 and 4 more transcripts); c.1088C>T, p.Ser363Phe (NM_001163999.2, NM_001366467.2, NM_001366468.2 and 1 more transcripts); c.1649C>T, p.Ser550Phe (NM_001366466.2); c.1133-456C>T (NM_001366473.2); c.569-456C>T (NM_001366474.2); short protein forms S362F, S363F, S427F, S550F.
Identifiers: ClinVar variation 4859707 (VCV004859707.1).

ClinVar aggregate classification (germline): Uncertain significance (1 of 4 stars; one submission).

Conditions:
Inborn genetic diseases. Identifiers: MedGen C0950123, MeSH D030342.

Submission:

Ambry Genetics
Classification: Uncertain significance for Inborn genetic diseases. Last evaluated: 2026-03-26. Review status: criteria provided, single submitter. Criteria: Ambry Variant Classification Scheme 2023. Collection method: clinical testing. Allele origin: germline.
Comment: The p.S550F variant (also known as c.1649C>T), located in coding exon 8 of the MECOM gene, results from a C to T substitution at nucleotide position 1649. The serine at codon 550 is replaced by phenylalanine, an amino acid with highly dissimilar properties. This amino acid position is conserved. In addition, this alteration is predicted to be tolerated by in silico analysis. Based on the available evidence, the clinical significance of this variant remains unclear.